The following is an entry in ClinVar:

ClinVar aggregate classification (germline): Uncertain significance (1 of 4 stars; one submission).

Conditions:
Chuvash polycythemia. Also called: POLYCYTHEMIA, VHL-DEPENDENT. Identifiers: Orphanet 238557, MedGen C1837915, MONDO:0009892, OMIM 263400.
Von Hippel-Lindau syndrome (VHLS). Also called: von Hippel–Lindau syndrome; VHL syndrome; Von Hippel-Lindau. Identifiers: Orphanet 892, MedGen C0019562, MONDO:0008667, OMIM 193300. Disease mechanism: loss of function.

Allele frequency attached by ClinVar (database versions not stated): gnomAD 0.00001; TOPMed 0.00002.
gnomAD v4.1: 15 of 1,533,640 alleles (0.00098%); highest among the groups gnomAD compares: Non-Finnish European, 0.0013%; no homozygotes.

Submission:

Labcorp Genetics (formerly Invitae), Labcorp
Classification: Uncertain significance for Von Hippel-Lindau syndrome; Chuvash polycythemia. Last evaluated: 2025-08-27. Review status: criteria provided, single submitter. Criteria: Invitae Variant Classification Sherloc (09022015). Collection method: clinical testing. Allele origin: germline.
Comment: This variant occurs in a non-coding region of the VHL gene. It does not change the encoded amino acid sequence of the VHL protein. This variant is present in population databases (no rsID available, gnomAD 0.002%). This variant has not been reported in the literature in individuals affected with VHL-related conditions. ClinVar contains an entry for this variant (Variation ID: 2931776). In summary, the available evidence is currently insufficient to determine the role of this variant in disease. Therefore, it has been classified as a Variant of Uncertain Significance.

NM_000551.4(VHL):c.-51G>A

Gene: VHL (von Hippel-Lindau tumor suppressor; plus strand). Cytogenetic location: 3p25.3.
Variant type: single nucleotide variant.
Coding change: c.-51G>A on transcript NM_000551.4 (MANE Select); 51 bases upstream of the start codon, G replaced by A.
Molecular consequence: 5 prime UTR variant. On other transcripts: non-coding transcript variant (1).
Genome position (GRCh38, 1-based): chr3:10,141,797, G>A. VCF-style: chr3-10141797-G-A. GRCh37 (hg19) VCF-style: chr3-10183481-G-A.
Other names: c.-51G>A (NM_001354723.2, NM_198156.3).
Identifiers: ClinVar variation 2931776 (VCV002931776.3), dbSNP rs916012789, ClinGen allele CA70041978.